The following is an entry in ClinVar:

NM_012082.4(ZFPM2):c.3294G>C (p.Glu1098Asp)

Genes: ZFPM2 (zinc finger protein, FOG family member 2; plus strand), ZFPM2-AS1 (ZFPM2 antisense RNA 1; minus strand), LOC126860469 (BRD4-independent group 4 enhancer GRCh37_chr8:106814445-106815644; plus strand). Cytogenetic location: 8q23.1.
Variant type: single nucleotide variant.
Coding change: c.3294G>C on transcript NM_012082.4 (MANE Select); coding-DNA position 3294, G replaced by C.
Protein change: p.Glu1098Asp; replaces glutamic acid 1098 with aspartic acid.
Molecular consequence: missense variant.
Genome position (GRCh38, 1-based): chr8:105,803,376, G>C. VCF-style: chr8-105803376-G-C. GRCh37 (hg19) VCF-style: chr8-106815604-G-C.
Other names: c.3135G>C, p.Glu1045Asp (NM_001362836.2); c.2898G>C, p.Glu966Asp (NM_001362837.2); short protein forms E1098D, E1045D, E966D.
Identifiers: ClinVar variation 406537 (VCV000406537.11), dbSNP rs149688628, ClinGen allele CA4840046.

ClinVar aggregate classification (germline): Uncertain significance (1 of 4 stars; one submission).

Conditions:
46,XY sex reversal 9 (SRXY9). Also called: 46,XY SEX REVERSAL, ZFPM2-RELATED. Identifiers: Orphanet 251510, MedGen C4015129, MONDO:0014480, OMIM 616067.

Allele frequency attached by ClinVar (database versions not stated): gnomAD exomes below 0.00001; TOPMed below 0.00001; ExAC 0.00001; gnomAD 0.00001; 1000 Genomes Project 30x 0.00016; 1000 Genomes Project 0.00020.
gnomAD v4.1: 7 of 1,613,360 alleles (0.00043%); highest among the groups gnomAD compares: African/African-American, 0.0053%; no homozygotes.

Submission:

Labcorp Genetics (formerly Invitae), Labcorp
Classification: Uncertain significance for 46,XY sex reversal 9. Last evaluated: 2024-10-16. Review status: criteria provided, single submitter. Criteria: Invitae Variant Classification Sherloc (09022015). Collection method: clinical testing. Allele origin: germline.
Comment: This sequence change replaces glutamic acid, which is acidic and polar, with aspartic acid, which is acidic and polar, at codon 1098 of the ZFPM2 protein (p.Glu1098Asp). This variant is present in population databases (rs149688628, gnomAD 0.007%). This variant has not been reported in the literature in individuals affected with ZFPM2-related conditions. ClinVar contains an entry for this variant (Variation ID: 406537). An algorithm developed to predict the effect of missense changes on protein structure and function outputs the following: PolyPhen-2: "Benign". The aspartic acid amino acid residue is found in multiple mammalian species, which suggests that this missense change does not adversely affect protein function. In summary, the available evidence is currently insufficient to determine the role of this variant in disease. Therefore, it has been classified as a Variant of Uncertain Significance.